The following is an entry in ClinVar:

NM_000081.4(LYST):c.9350A>G (p.Asn3117Ser)

Gene: LYST (lysosomal trafficking regulator; minus strand). Cytogenetic location: 1q42.3.
Variant type: single nucleotide variant.
Coding change: c.9350A>G on transcript NM_000081.4 (MANE Select); coding-DNA position 9350, A replaced by G.
Protein change: p.Asn3117Ser; replaces asparagine 3117 with serine.
Molecular consequence: missense variant.
Genome position (GRCh38, 1-based): chr1:235,720,871, T>C on the plus strand (A>G on the coding strand, the complement: LYST is on the minus strand). VCF-style: chr1-235720871-T-C. GRCh37 (hg19) VCF-style: chr1-235884171-T-C.
Other names: c.9350A>G, p.Asn3117Ser (NM_001301365.1); short protein forms N3117S.
Identifiers: ClinVar variation 1716987 (VCV001716987.5), dbSNP rs952079652, ClinGen allele CA39603033.

ClinVar aggregate classification (germline): Uncertain significance (1 of 4 stars; one submission).

Conditions:
Chédiak-Higashi syndrome (CHS). Also called: Chediak-Higashi Syndrome. Identifiers: Orphanet 167, MedGen C0007965, MONDO:0008963, OMIM 214500.

Allele frequency attached by ClinVar (database versions not stated): gnomAD exomes below 0.00001; TOPMed 0.00001.
gnomAD v4.1: 1 of 1,613,748 alleles (0.000062%); highest among the groups gnomAD compares: African/African-American, 0.0013%; no homozygotes.

Submission:

Labcorp Genetics (formerly Invitae), Labcorp
Classification: Uncertain significance for Chédiak-Higashi syndrome. Last evaluated: 2024-12-02. Review status: criteria provided, single submitter. Criteria: Invitae Variant Classification Sherloc (09022015). Collection method: clinical testing. Allele origin: germline.
Comment: This sequence change replaces asparagine, which is neutral and polar, with serine, which is neutral and polar, at codon 3117 of the LYST protein (p.Asn3117Ser). This variant is present in population databases (no rsID available, gnomAD 0.007%). This variant has not been reported in the literature in individuals affected with LYST-related conditions. ClinVar contains an entry for this variant (Variation ID: 1716987). Invitae Evidence Modeling of protein sequence and biophysical properties (such as structural, functional, and spatial information, amino acid conservation, physicochemical variation, residue mobility, and thermodynamic stability) indicates that this missense variant is not expected to disrupt LYST protein function with a negative predictive value of 80%. In summary, the available evidence is currently insufficient to determine the role of this variant in disease. Therefore, it has been classified as a Variant of Uncertain Significance.